The following is an entry in ClinVar:

NM_001127222.2(CACNA1A):c.4866+1G>T

Gene: CACNA1A (calcium voltage-gated channel subunit alpha1 A; minus strand). Cytogenetic location: 19p13.13.
Variant type: single nucleotide variant.
Coding change: c.4866+1G>T on transcript NM_001127222.2 (MANE Select); the canonical splice donor site of the intron after coding-DNA position 4866, G replaced by T.
Molecular consequence: splice donor variant.
Genome position (GRCh38, 1-based): chr19:13,252,990, C>A on the plus strand (G>T on the coding strand, the complement: CACNA1A is on the minus strand). VCF-style: chr19-13252990-C-A. GRCh37 (hg19) VCF-style: chr19-13363804-C-A.
Other names: c.4869+1G>T (NM_001127221.2, NM_001174080.2); c.4878+1G>T (NM_000068.4, NM_023035.3).
Identifiers: ClinVar variation 1066763 (VCV001066763.9), dbSNP rs2144725957, ClinGen allele CA404338052.

ClinVar aggregate classification (germline): Likely pathogenic. Review status: criteria provided, multiple submitters, no conflicts (2 of 4 stars). 2 submissions from 2 submitters: Likely pathogenic (2). Last evaluated 2023-06-13.

Conditions:
Developmental and epileptic encephalopathy, 42 (DEE42A). Also called: DEVELOPMENTAL AND EPILEPTIC ENCEPHALOPATHY 42A; EPILEPTIC ENCEPHALOPATHY, EARLY INFANTILE, 42A; Epileptic encephalopathy, early infantile, 42. Identifiers: MedGen C4310716, MONDO:0014917, OMIM 617106.
Episodic ataxia type 2 (EA2). Also called: EPISODIC ATAXIA, NYSTAGMUS-ASSOCIATED; ACETAZOLAMIDE-RESPONSIVE HEREDITARY PAROXYSMAL CEREBELLAR ATAXIA; ATAXIA, EPISODIC, WITH NYSTAGMUS; ATAXIA, FAMILIAL PAROXYSMAL; CEREBELLAR ATAXIA, PAROXYSMAL, ACETAZOLAMIDE-RESPONSIVE; CEREBELLOPATHY, HEREDITARY PAROXYSMAL. Identifiers: Orphanet 97, MedGen C1720416, MONDO:0007163, OMIM 108500.

Submissions (2):

Institute of Human Genetics, University of Leipzig Medical Center
Classification: Likely pathogenic for Developmental and epileptic encephalopathy, 42. Last evaluated: 2023-06-13. Review status: criteria provided, single submitter. Criteria: ACMG Guidelines, 2015. Collection method: clinical testing. Allele origin: unknown. Inheritance: Autosomal dominant inheritance. Affected: yes.
Comment: Criteria applied: PVS1_STR,PS4_SUP,PM2_SUP

Labcorp Genetics (formerly Invitae), Labcorp
Classification: Likely pathogenic for Developmental and epileptic encephalopathy, 42; Episodic ataxia type 2. Last evaluated: 2020-09-15. Review status: criteria provided, single submitter. Criteria: Invitae Variant Classification Sherloc (09022015). Collection method: clinical testing. Allele origin: germline.
Comment: Donor and acceptor splice site variants typically lead to a loss of protein function (PMID: 16199547), and loss-of-function variants in CACNA1A are known to be pathogenic (PMID: 10371528, 19486177, 25735478, 27250579). This sequence change affects a donor splice site in intron 30 of the CACNA1A gene. It is expected to disrupt RNA splicing and likely results in an absent or disrupted protein product. This variant is not present in population databases (ExAC no frequency). This variant has not been reported in the literature in individuals with CACNA1A-related conditions. Algorithms developed to predict the effect of sequence changes on RNA splicing suggest that this variant may disrupt the consensus splice site, but this prediction has not been confirmed by published transcriptional studies. In summary, the currently available evidence indicates that the variant is pathogenic, but additional data are needed to prove that conclusively. Therefore, this variant has been classified as Likely Pathogenic.

Literature cited by the submitters: PubMed 16199547 (cited by Labcorp Genetics (formerly Invitae), Labcorp); PubMed 10371528 (cited by Labcorp Genetics (formerly Invitae), Labcorp); PubMed 19486177 (cited by Labcorp Genetics (formerly Invitae), Labcorp); PubMed 25735478 (cited by Labcorp Genetics (formerly Invitae), Labcorp); PubMed 27250579 (cited by Labcorp Genetics (formerly Invitae), Labcorp).